The following is an entry in ClinVar:

ClinVar aggregate classification (germline): Uncertain significance. Review status: criteria provided, multiple submitters, no conflicts (2 of 4 stars). 4 submissions from 4 submitters: Uncertain significance (4). Last evaluated 2025-09-02.

Conditions:
Cardiovascular phenotype. Identifiers: MedGen CN230736.
Hereditary cancer-predisposing syndrome. Also called: Hereditary neoplastic syndrome; Neoplastic Syndromes, Hereditary; Tumor predisposition; Hereditary Cancer Syndrome. Identifiers: Orphanet 140162, MedGen C0027672, MeSH D009386, MONDO:0015356.
Juvenile myelomonocytic leukemia (JMML). Also called: LEUKEMIA, JUVENILE MYELOMONOCYTIC, SOMATIC. Identifiers: Orphanet 86834, MedGen C0349639, MONDO:0011908, OMIM 607785, HP:0012209.
Neurofibromatosis-Noonan syndrome (NFNS). Also called: NEUROFIBROMATOSIS WITH NOONAN PHENOTYPE. Identifiers: Orphanet 638, MedGen C2931482, MONDO:0011035, OMIM 601321. Disease mechanism: loss of function.
Neurofibromatosis, familial spinal (FSNF). Identifiers: Orphanet 636, MedGen C1834235, MONDO:0008078, OMIM 162210. Disease mechanism: loss of function.
Neurofibromatosis, type 1 (NF1). Also called: VON RECKLINGHAUSEN DISEASE; Peripheral type neurofibromatosis; NEUROFIBROMATOSIS, TYPE I, SOMATIC; Neurofibromatosis, type I. Identifiers: Orphanet 636, MedGen C0027831, MONDO:0018975, OMIM 162200. Disease mechanism: loss of function.
Café-au-lait macules with pulmonary stenosis (WTSN). Also called: PULMONIC STENOSIS WITH CAFE-AU-LAIT SPOTS. Identifiers: MedGen C0553586, MONDO:0008672, OMIM 193520.

Submissions (4):

Labcorp Genetics (formerly Invitae), Labcorp
Classification: Uncertain significance for Neurofibromatosis, type 1. Last evaluated: 2025-09-02. Review status: criteria provided, single submitter. Criteria: Invitae Variant Classification Sherloc (09022015). Collection method: clinical testing. Allele origin: germline.
Comment: This sequence change replaces histidine, which is basic and polar, with tyrosine, which is neutral and polar, at codon 2569 of the NF1 protein (p.His2569Tyr). This variant is not present in population databases (gnomAD no frequency). This variant has not been reported in the literature in individuals affected with NF1-related conditions. ClinVar contains an entry for this variant (Variation ID: 481934). Invitae Evidence Modeling of protein sequence and biophysical properties (such as structural, functional, and spatial information, amino acid conservation, physicochemical variation, residue mobility, and thermodynamic stability) indicates that this missense variant is not expected to disrupt NF1 protein function with a negative predictive value of 95%. In summary, the available evidence is currently insufficient to determine the role of this variant in disease. Therefore, it has been classified as a Variant of Uncertain Significance.

Genome-Nilou Lab
Classification: Uncertain significance for Neurofibromatosis, type 1. Last evaluated: 2022-03-15. Review status: criteria provided, single submitter. Criteria: ACMG Guidelines, 2015. Collection method: clinical testing. Allele origin: germline. Affected: no.

Fulgent Genetics
Classification: Uncertain significance for Neurofibromatosis, type 1; Neurofibromatosis, familial spinal; Café-au-lait macules with pulmonary stenosis; Neurofibromatosis-Noonan syndrome; Juvenile myelomonocytic leukemia. Last evaluated: 2021-12-23. Review status: criteria provided, single submitter. Criteria: ACMG Guidelines, 2015. Collection method: clinical testing. Allele origin: unknown.

Ambry Genetics
Classification: Uncertain significance for Cardiovascular phenotype; Hereditary cancer-predisposing syndrome. Last evaluated: 2021-12-09. Review status: criteria provided, single submitter. Criteria: Ambry Variant Classification Scheme 2023. Collection method: clinical testing. Allele origin: germline.
Comment: The p.H2569Y variant (also known as c.7705C>T), located in coding exon 52 of the NF1 gene, results from a C to T substitution at nucleotide position 7705. The histidine at codon 2569 is replaced by tyrosine, an amino acid with similar properties. This amino acid position is highly conserved in available vertebrate species. In addition, this alteration is predicted to be tolerated by in silico analysis. Since supporting evidence is limited at this time, the clinical significance of this alteration remains unclear.

NM_001042492.3(NF1):c.7768C>T (p.His2590Tyr)

Gene: NF1 (neurofibromin 1; plus strand). Cytogenetic location: 17q11.2.
Variant type: single nucleotide variant.
Coding change: c.7768C>T on transcript NM_001042492.3 (MANE Select); coding-DNA position 7768, C replaced by T.
Protein change: p.His2590Tyr; replaces histidine 2590 with tyrosine.
Molecular consequence: missense variant.
Genome position (GRCh38, 1-based): chr17:31,356,989, C>T. VCF-style: chr17-31356989-C-T. GRCh37 (hg19) VCF-style: chr17-29684007-C-T.
Other names: c.7705C>T, p.His2569Tyr (NM_000267.4); short protein forms H2569Y, H2590Y.
Identifiers: ClinVar variation 481934 (VCV000481934.12), dbSNP rs1555536690, ClinGen allele CA399018403.